The following is an entry in ClinVar:

ClinVar aggregate classification (germline): Uncertain significance (1 of 4 stars; one submission).

Conditions:
Cardiovascular phenotype. Identifiers: MedGen CN230736.

Submission:

Ambry Genetics
Classification: Uncertain significance for Cardiovascular phenotype. Last evaluated: 2025-03-02. Review status: criteria provided, single submitter. Criteria: Ambry Variant Classification Scheme 2023. Collection method: clinical testing. Allele origin: germline.
Comment: The p.P483L variant (also known as c.1448C>T), located in coding exon 8 of the SNTA1 gene, results from a C to T substitution at nucleotide position 1448. The proline at codon 483 is replaced by leucine, an amino acid with similar properties. This amino acid position is conserved. In addition, this alteration is predicted to be deleterious by in silico analysis. Based on the available evidence, the clinical significance of this variant remains unclear.

NM_003098.3(SNTA1):c.1448C>T (p.Pro483Leu)

Gene: SNTA1 (syntrophin alpha 1; minus strand). Cytogenetic location: 20q11.21.
Variant type: single nucleotide variant.
Coding change: c.1448C>T on transcript NM_003098.3 (MANE Select); coding-DNA position 1448, C replaced by T.
Protein change: p.Pro483Leu; replaces proline 483 with leucine.
Molecular consequence: missense variant.
Genome position (GRCh38, 1-based): chr20:33,408,577, G>A on the plus strand (C>T on the coding strand, the complement: SNTA1 is on the minus strand). VCF-style: chr20-33408577-G-A. GRCh37 (hg19) VCF-style: chr20-31996383-G-A.
Other names: c.1445C>T, p.Pro482Leu (NM_001424413.1); c.1480C>T, p.Pro494Ser (NM_001424414.1); short protein forms P482L, P483L, P494S.
Identifiers: ClinVar variation 3799551 (VCV003799551.1).
Genomic context (GRCh38, chr20:33,408,577, plus strand): 5'-AGCCCGAGGCGGGTGACTTTGGCCGACAGGAAGGAGTGGATGATGAAGACTATGGTTTTG[G>A]GACACGAGTGCAGGTCCAGCTGCTGGAGGGTGGATGGAGAGAAGAGTCAGGGCCCTGGCC-3'
Protein context (NP_003089.1, residues 473-493): GEIQLDLHSC[Pro483Leu]KTIVFIIHSF